The following is an entry in ClinVar:

ClinVar aggregate classification (germline): Uncertain significance (1 of 4 stars; one submission).

Conditions:
Hereditary cancer-predisposing syndrome. Also called: Neoplastic Syndromes, Hereditary; Tumor predisposition; Hereditary neoplastic syndrome; Hereditary Cancer Syndrome. Identifiers: Orphanet 140162, MedGen C0027672, MeSH D009386, MONDO:0015356.

Submission:

Ambry Genetics
Classification: Uncertain significance for Hereditary cancer-predisposing syndrome. Last evaluated: 2024-02-28. Review status: criteria provided, single submitter. Criteria: Ambry Variant Classification Scheme 2023. Collection method: clinical testing. Allele origin: germline.
Comment: The p.S9A variant (also known as c.25T>G), located in coding exon 1 of the TSC2 gene, results from a T to G substitution at nucleotide position 25. The serine at codon 9 is replaced by alanine, an amino acid with similar properties. This amino acid position is well conserved in available vertebrate species. In addition, this alteration is predicted to be tolerated by in silico analysis. Based on the available evidence, the clinical significance of this alteration remains unclear.

NM_000548.5(TSC2):c.25T>G (p.Ser9Ala)

Gene: TSC2 (TSC complex subunit 2; plus strand). Cytogenetic location: 16p13.3.
Variant type: single nucleotide variant.
Coding change: c.25T>G on transcript NM_000548.5 (MANE Select); coding-DNA position 25, T replaced by G.
Protein change: p.Ser9Ala; replaces serine 9 with alanine.
Molecular consequence: missense variant. On other transcripts: 5 prime UTR variant (19), non-coding transcript variant (5), intron variant (6).
Genome position (GRCh38, 1-based): chr16:2,048,640, T>G. VCF-style: chr16-2048640-T-G. GRCh37 (hg19) VCF-style: chr16-2098641-T-G.
Other names: c.25T>G, p.Ser9Ala (NM_001077183.3, NM_001114382.3, NM_001318827.2 and 13 more transcripts); c.-202T>G (NM_001318831.2, NM_001406682.1, NM_001406684.1 and 2 more transcripts); c.58T>G, p.Ser20Ala (NM_001318832.2); c.-792T>G (NM_001406680.1, NM_001406683.1, NM_001406687.1); c.-421T>G (NM_001406681.1); c.-1407T>G (NM_001406689.1, NM_001406690.1, NM_001406691.1 and 2 more transcripts); c.-1713T>G (NM_001406693.1); c.-1288T>G (NM_001406694.1, NM_001406695.1); and 4 more; short protein forms S20A, S9A.
Identifiers: ClinVar variation 3232120 (VCV003232120.1), dbSNP rs2150970332, ClinGen allele CA394300693.